The following is an entry in ClinVar:

ClinVar aggregate classification (germline): Benign/Likely benign. Review status: criteria provided, multiple submitters, no conflicts (2 of 4 stars). 4 submissions from 4 submitters: Benign (1); Likely benign (3). Last evaluated 2024-04-05.

Conditions:
Familial adenomatous polyposis 1 (FAP1). Also called: FAMILIAL ADENOMATOUS POLYPOSIS 1, ATTENUATED; POLYPOSIS, ADENOMATOUS INTESTINAL. Identifiers: MedGen C2713442, MONDO:0021056, OMIM 175100. Disease mechanism: loss of function.
Hereditary cancer-predisposing syndrome. Also called: Tumor predisposition; Neoplastic Syndromes, Hereditary; Hereditary neoplastic syndrome; Hereditary Cancer Syndrome. Identifiers: Orphanet 140162, MedGen C0027672, MeSH D009386, MONDO:0015356.

Submissions (4):

Myriad Genetics, Inc.
Classification: Benign for Familial adenomatous polyposis 1. Last evaluated: 2024-04-05. Review status: criteria provided, single submitter. Criteria: Myriad Autosomal Dominant, Autosomal Recessive and X-Linked Classification Criteria (2023). Collection method: clinical testing. Allele origin: unknown.
Comment: This variant is considered benign. This variant is a silent/synonymous amino acid change and it is not expected to impact splicing.

Labcorp Genetics (formerly Invitae), Labcorp
Classification: Likely benign for Familial adenomatous polyposis 1. Last evaluated: 2021-03-22. Review status: criteria provided, single submitter. Criteria: Invitae Variant Classification Sherloc (09022015). Collection method: clinical testing. Allele origin: germline.

Ambry Genetics
Classification: Likely benign for Hereditary cancer-predisposing syndrome. Last evaluated: 2020-04-04. Review status: criteria provided, single submitter. Criteria: Ambry Variant Classification Scheme 2023. Collection method: clinical testing. Allele origin: germline.

Color Diagnostics, LLC DBA Color Health
Classification: Likely benign for Hereditary cancer-predisposing syndrome. Last evaluated: 2017-03-20. Review status: criteria provided, single submitter. Criteria: ACMG Guidelines, 2015. Collection method: clinical testing. Allele origin: germline.

NM_000038.6(APC):c.6771C>T (p.Ala2257=)

Gene: APC (APC regulator of Wnt signaling pathway; plus strand). Cytogenetic location: 5q22.2.
Variant type: single nucleotide variant.
Coding change: c.6771C>T on transcript NM_000038.6 (MANE Select); coding-DNA position 6771, C replaced by T.
Protein change: p.Ala2257=; no amino-acid change (alanine 2257 retained).
Molecular consequence: synonymous variant.
Genome position (GRCh38, 1-based): chr5:112,842,365, C>T. VCF-style: chr5-112842365-C-T. GRCh37 (hg19) VCF-style: chr5-112178062-C-T.
Other names: c.6771C>T, p.Ala2257= (NM_001127510.3, NM_001354895.2); c.6717C>T, p.Ala2239= (NM_001127511.3); c.6825C>T, p.Ala2275= (NM_001354896.2); c.6801C>T, p.Ala2267= (NM_001354897.2); c.6696C>T, p.Ala2232= (NM_001354898.2); c.6687C>T, p.Ala2229= (NM_001354899.2); c.6648C>T, p.Ala2216= (NM_001354900.2); c.6594C>T, p.Ala2198= (NM_001354901.2); and 5 more.
Identifiers: ClinVar variation 416763 (VCV000416763.15), dbSNP rs1060504893, ClinGen allele CA16611730.